The following is an entry in ClinVar:

NM_000089.4(COL1A2):c.2771C>G (p.Ala924Gly)

Gene: COL1A2 (collagen type I alpha 2 chain; plus strand). Cytogenetic location: 7q21.3.
Variant type: single nucleotide variant.
Coding change: c.2771C>G on transcript NM_000089.4 (MANE Select); coding-DNA position 2771, C replaced by G.
Protein change: p.Ala924Gly; replaces alanine 924 with glycine.
Molecular consequence: missense variant.
Genome position (GRCh38, 1-based): chr7:94,425,214, C>G. VCF-style: chr7-94425214-C-G. GRCh37 (hg19) VCF-style: chr7-94054526-C-G.
Other names: short protein forms A924G.
Identifiers: ClinVar variation 2926277 (VCV002926277.3), dbSNP rs1792248965, ClinGen allele CA368224575.

ClinVar aggregate classification (germline): Uncertain significance (1 of 4 stars; one submission).

Conditions:
Osteogenesis imperfecta type I (OI1). Also called: Lobstein disease; OI, TYPE I; OSTEOGENESIS IMPERFECTA TARDA; OSTEOGENESIS IMPERFECTA WITH BLUE SCLERAE; Osteogenesis imperfecta type 1; Lobstein's Disease. Identifiers: Orphanet 216796, Orphanet 666, MedGen C0023931, MONDO:0008146, OMIM 166200. Disease mechanism: loss of function.
Ehlers-Danlos syndrome, classic type, 1 (EDSCL1). Also called: EDS I; EHLERS-DANLOS SYNDROME, GRAVIS TYPE; EHLERS-DANLOS SYNDROME, SEVERE CLASSIC TYPE; Ehlers-Danlos syndrome, type 1; Ehlers-Danlos Syndrome, Classic Type, COL5A1-Related. Identifiers: MedGen C0268335, MONDO:0019567, OMIM 130000.

Allele frequency attached by ClinVar (database versions not stated): gnomAD exomes 0.00001.
gnomAD v4.1: 18 of 1,613,996 alleles (0.0011%); highest among the groups gnomAD compares: Non-Finnish European, 0.0015%; no homozygotes.

Submission:

Labcorp Genetics (formerly Invitae), Labcorp
Classification: Uncertain significance for Osteogenesis imperfecta type I; Ehlers-Danlos syndrome, classic type, 1. Last evaluated: 2023-11-08. Review status: criteria provided, single submitter. Criteria: Invitae Variant Classification Sherloc (09022015). Collection method: clinical testing. Allele origin: germline.
Comment: This sequence change replaces alanine, which is neutral and non-polar, with glycine, which is neutral and non-polar, at codon 924 of the COL1A2 protein (p.Ala924Gly). This variant is not present in population databases (gnomAD no frequency). This variant has not been reported in the literature in individuals affected with COL1A2-related conditions. Advanced modeling of protein sequence and biophysical properties (such as structural, functional, and spatial information, amino acid conservation, physicochemical variation, residue mobility, and thermodynamic stability) performed at Invitae indicates that this missense variant is not expected to disrupt COL1A2 protein function with a negative predictive value of 80%. In summary, the available evidence is currently insufficient to determine the role of this variant in disease. Therefore, it has been classified as a Variant of Uncertain Significance.